The following is an entry in ClinVar:

ClinVar aggregate classification (germline): Uncertain significance (1 of 4 stars; one submission).

Conditions:
Hereditary sensory neuropathy-deafness-dementia syndrome. Also called: HSN IE; NEUROPATHY, HEREDITARY SENSORY, WITH HEARING LOSS AND DEMENTIA; Hereditary Sensory and Autonomic Neuropathy Type 1E (HSAN1E); Hereditary sensory neuropathy type IE. Identifiers: Orphanet 456318, MedGen C3279885, MONDO:0013584, OMIM 614116.

Submission:

Labcorp Genetics (formerly Invitae), Labcorp
Classification: Uncertain significance for Hereditary sensory neuropathy-deafness-dementia syndrome. Last evaluated: 2018-04-02. Review status: criteria provided, single submitter. Criteria: Invitae Variant Classification Sherloc (09022015). Collection method: clinical testing. Allele origin: germline.
Comment: This sequence change replaces valine with isoleucine at codon 690 of the DNMT1 protein (p.Val690Ile). The valine residue is moderately conserved and there is a small physicochemical difference between valine and isoleucine. In summary, the available evidence is currently insufficient to determine the role of this variant in disease. Therefore, it has been classified as a Variant of Uncertain Significance. Algorithms developed to predict the effect of missense changes on protein structure and function (SIFT, PolyPhen-2, Align-GVGD) all suggest that this variant is likely to be tolerated, but these predictions have not been confirmed by published functional studies and their clinical significance is uncertain. This variant has not been reported in the literature in individuals with DNMT1-related disease. This variant is not present in population databases (ExAC no frequency).

NM_001130823.3(DNMT1):c.2068G>A (p.Val690Ile)

Gene: DNMT1 (DNA methyltransferase 1; minus strand). Cytogenetic location: 19p13.2.
Variant type: single nucleotide variant.
Coding change: c.2068G>A on transcript NM_001130823.3 (MANE Select); coding-DNA position 2068, G replaced by A.
Protein change: p.Val690Ile; replaces valine 690 with isoleucine.
Molecular consequence: missense variant.
Genome position (GRCh38, 1-based): chr19:10,151,799, C>T on the plus strand (G>A on the coding strand, the complement: DNMT1 is on the minus strand). VCF-style: chr19-10151799-C-T. GRCh37 (hg19) VCF-style: chr19-10262475-C-T.
Other names: c.2068G>A (LRG_362t1); c.2020G>A, p.Val674Ile (NM_001318730.2, NM_001379.4); c.1705G>A, p.Val569Ile (NM_001318731.2); short protein forms V690I, V569I, V674I.
Identifiers: ClinVar variation 582161 (VCV000582161.8), dbSNP rs1568232526, ClinGen allele CA403931822.